The following is an entry in ClinVar:

ClinVar aggregate classification (germline): Pathogenic/Likely pathogenic. Review status: criteria provided, multiple submitters, no conflicts (2 of 4 stars). 4 submissions from 4 submitters: Pathogenic (2); Likely pathogenic (1). 1 of the submissions does not count toward it. Last evaluated 2025-08-26.

Conditions:
NEB-related disorder. Also called: NEB-Related Disorders; NEB-related condition.
Nemaline myopathy 2 (NEM2). Also called: Nemaline myopathy 2, autosomal recessive. Identifiers: MedGen C1850569, MONDO:0009725, OMIM 256030.

Allele frequency attached by ClinVar (database versions not stated): gnomAD exomes below 0.00001.

Submissions (4):

Labcorp Genetics (formerly Invitae), Labcorp
Classification: Pathogenic for Nemaline myopathy 2. Last evaluated: 2025-08-26. Review status: criteria provided, single submitter. Criteria: Invitae Variant Classification Sherloc (09022015). Collection method: clinical testing. Allele origin: germline.
Comment: This sequence change creates a premature translational stop signal (p.Met7828Serfs*51) in the NEB gene. It is expected to result in an absent or disrupted protein product. Loss-of-function variants in NEB are known to be pathogenic (PMID: 25205138). This variant is not present in population databases (gnomAD no frequency). This variant has not been reported in the literature in individuals affected with NEB-related conditions. ClinVar contains an entry for this variant (Variation ID: 551865). For these reasons, this variant has been classified as Pathogenic.

Blueprint Genetics
Classification: Likely pathogenic for NEB-related disorders. Last evaluated: 2019-05-16. Review status: criteria provided, single submitter. Criteria: ACMG Guidelines, 2015. Collection method: clinical testing. Allele origin: germline. Affected: yes. Observed: 1 variant allele.

Molecular Diagnostics Laboratory, M Health Fairview: University of Minnesota
Classification: Pathogenic for Nemaline myopathy 2. Last evaluated: 2016-05-12. Review status: criteria provided, single submitter. Criteria: ACMG Guidelines, 2015. Collection method: clinical testing. Allele origin: germline. Affected: yes. Observed: 1 variant allele.

Counsyl
Classification: Likely pathogenic for Nemaline myopathy 2. Last evaluated: 2017-05-10. Review status: no assertion criteria provided. Collection method: clinical testing. Allele origin: unknown. Not counted in ClinVar's aggregate classification.

Literature cited by the submitters: PubMed 25205138 (cited by 3 submitters).

NM_001164508.2(NEB):c.23378del (p.Met7793fs)

Genes: NEB (nebulin; minus strand), RIF1 (replication timing regulatory factor 1; plus strand). Cytogenetic location: 2q23.3.
Variant type: Deletion.
Coding change: c.23378del on transcript NM_001164508.2 (MANE Select); coding-DNA position 23378, one base deleted (T; older notation c.23378delT).
Protein change: p.Met7793fs; shifts the reading frame from methionine 7793.
Molecular consequence: frameshift variant.
Genome position (GRCh38, 1-based): chr2:151,508,078, A deleted on the plus strand (T on the coding strand, the reverse complement: NEB is on the minus strand). VCF-style (leftmost placement, unchanged base first): chr2-151508077-CA-C. GRCh37 (hg19) VCF-style: chr2-152364591-CA-C.
Other names: c.23378del, p.Met7793fs (NM_001164507.2); c.23483del, p.Met7828fs (NM_001271208.2); c.18275del, p.Met6092fs (NM_004543.5); short protein forms M7793fs, M7828fs, M6092fs.
Identifiers: ClinVar variation 551865 (VCV000551865.6), dbSNP rs1553603690, ClinGen allele CA658821222.